The following is an entry in ClinVar:

NM_000465.4(BARD1):c.1245G>A (p.Lys415=)

Gene: BARD1 (BRCA1 associated RING domain 1; minus strand). Cytogenetic location: 2q35.
Variant type: single nucleotide variant.
Coding change: c.1245G>A on transcript NM_000465.4 (MANE Select); coding-DNA position 1245, G replaced by A.
Protein change: p.Lys415=; no amino-acid change (lysine 415 retained).
Molecular consequence: synonymous variant. On other transcripts: non-coding transcript variant (2), intron variant (3).
Genome position (GRCh38, 1-based): chr2:214,780,629, C>T on the plus strand (G>A on the coding strand, the complement: BARD1 is on the minus strand). VCF-style: chr2-214780629-C-T. GRCh37 (hg19) VCF-style: chr2-215645353-C-T.
Other names: c.1188G>A, p.Lys396= (NM_001282543.2); c.159-28074G>A (NM_001282548.2); c.215+16432G>A (NM_001282545.2); c.364+11668G>A (NM_001282549.2).
Identifiers: ClinVar variation 3378688 (VCV003378688.1).

ClinVar aggregate classification (germline): Benign (1 of 4 stars; one submission).

Conditions:
Familial cancer of breast. Also called: hereditary breast carcinoma; Hereditary breast cancer; BREAST CANCER, FAMILIAL. Identifiers: Orphanet 227535, MedGen C0346153, MONDO:0016419, OMIM 114480. Disease mechanism: loss of function.

Submission:

Myriad Genetics, Inc.
Classification: Benign for Familial cancer of breast. Last evaluated: 2024-07-24. Review status: criteria provided, single submitter. Criteria: Myriad Autosomal Dominant, Autosomal Recessive and X-Linked Classification Criteria (2023). Collection method: clinical testing. Allele origin: unknown.
Comment: This variant is considered benign. This variant is a silent/synonymous amino acid change and it is not expected to impact splicing.